The following is an entry in ClinVar:

NM_000038.6(APC):c.4826C>G (p.Pro1609Arg)

Gene: APC (APC regulator of Wnt signaling pathway; plus strand). Cytogenetic location: 5q22.2.
Variant type: single nucleotide variant.
Coding change: c.4826C>G on transcript NM_000038.6 (MANE Select); coding-DNA position 4826, C replaced by G.
Protein change: p.Pro1609Arg; replaces proline 1609 with arginine.
Molecular consequence: missense variant.
Genome position (GRCh38, 1-based): chr5:112,840,420, C>G. VCF-style: chr5-112840420-C-G. GRCh37 (hg19) VCF-style: chr5-112176117-C-G.
Other names: c.4826C>G, p.Pro1609Arg (NM_001127510.3, NM_001354895.2); c.4772C>G, p.Pro1591Arg (NM_001127511.3); c.4880C>G, p.Pro1627Arg (NM_001354896.2); c.4856C>G, p.Pro1619Arg (NM_001354897.2); c.4751C>G, p.Pro1584Arg (NM_001354898.2); c.4742C>G, p.Pro1581Arg (NM_001354899.2); c.4703C>G, p.Pro1568Arg (NM_001354900.2); c.4649C>G, p.Pro1550Arg (NM_001354901.2); and 5 more; short protein forms P1550R, P1581R, P1591R, P1627R, P1326R, P1449R, P1584R, P1609R.
Identifiers: ClinVar variation 835752 (VCV000835752.11), dbSNP rs1765775529, ClinGen allele CA16031907.

ClinVar aggregate classification (germline): Uncertain significance (1 of 4 stars; one submission).

Conditions:
Familial adenomatous polyposis 1 (FAP1). Also called: POLYPOSIS, ADENOMATOUS INTESTINAL; FAMILIAL ADENOMATOUS POLYPOSIS 1, ATTENUATED. Identifiers: MedGen C2713442, MONDO:0021056, OMIM 175100. Disease mechanism: loss of function.

Allele frequency attached by ClinVar (database versions not stated): gnomAD exomes below 0.00001.
gnomAD v4.1: 2 of 1,614,168 alleles (0.00012%); highest among the groups gnomAD compares: Non-Finnish European, 0.00017%; no homozygotes.

Submission:

Labcorp Genetics (formerly Invitae), Labcorp
Classification: Uncertain significance for Familial adenomatous polyposis 1. Last evaluated: 2019-12-08. Review status: criteria provided, single submitter. Criteria: Invitae Variant Classification Sherloc (09022015). Collection method: clinical testing. Allele origin: germline.
Comment: This variant has not been reported in the literature in individuals with APC-related conditions. In summary, the available evidence is currently insufficient to determine the role of this variant in disease. Therefore, it has been classified as a Variant of Uncertain Significance. Algorithms developed to predict the effect of missense changes on protein structure and function are either unavailable or do not agree on the potential impact of this missense change (SIFT: "Tolerated"; PolyPhen-2: "Probably Damaging"; Align-GVGD: "Class C0"). This variant is not present in population databases (ExAC no frequency). This sequence change replaces proline with arginine at codon 1609 of the APC protein (p.Pro1609Arg). The proline residue is highly conserved and there is a moderate physicochemical difference between proline and arginine.